The following is an entry in ClinVar:

ClinVar aggregate classification (germline): Likely pathogenic (1 of 4 stars; one submission).

Submission:

GeneDx
Classification: Likely pathogenic. Last evaluated: 2016-11-29. Review status: criteria provided, single submitter. Criteria: GeneDx Variant Classification (06012015). Collection method: clinical testing. Allele origin: germline. Affected: yes.
Comment: A variant that is likely pathogenic has been identified in the TSC2 gene. Several splice prediction models predict that the c.1119 G>C variant may destroy the natural splice donor site of exon 11, resulting in abnormal splicing; however, in the absence of RNA/functional studies the actual effect of this sequence change is unknown. If c.1119 G>C does not result in abnormal splicing, it will result in the Q373H missense change. The Q373H variant has been previously reported in a child who was diagnosed with tuberous sclerosis at birth and who also had Wilm's tumor (Peron et al., 2016). It was not observed in approximately 6,500 individuals of European and African American ancestry in the NHLBI Exome Sequencing Project, indicating it is not a common benign variant in these populations. The Q373H variant is a semi-conservative amino acid substitution, which may impact secondary protein structure as these residues differ in some properties. This substitution occurs at a position that is not conserved. In silico analysis predicts this variant is probably damaging to the protein structure/function. Therefore, we now interpret c.1119 G>C as a likely pathogenic variant; however, the possibility that it is benign cannot be excluded.

NM_000548.5(TSC2):c.1119G>C (p.Gln373His)

Gene: TSC2 (TSC complex subunit 2; plus strand). Cytogenetic location: 16p13.3.
Variant type: single nucleotide variant.
Coding change: c.1119G>C on transcript NM_000548.5 (MANE Select); coding-DNA position 1119, G replaced by C.
Protein change: p.Gln373His; replaces glutamine 373 with histidine.
Molecular consequence: missense variant.
Genome position (GRCh38, 1-based): chr16:2,060,813, G>C. VCF-style: chr16-2060813-G-C. GRCh37 (hg19) VCF-style: chr16-2110814-G-C.
Other names: c.1119G>C, p.Gln373His (NM_001077183.3, NM_001114382.3, NM_001363528.2 and 3 more transcripts); c.1008G>C, p.Gln336His (NM_001318827.2); c.972G>C, p.Gln324His (NM_001318829.2); c.519G>C, p.Gln173His (NM_001318831.2); c.1152G>C, p.Gln384His (NM_001318832.2); short protein forms Q373H, Q173H, Q384H, Q324H, Q336H.
Identifiers: ClinVar variation 390324 (VCV000390324.2), dbSNP rs1057523727, ClinGen allele CA16606925.